The following is an entry in ClinVar:

NM_144672.4(OTOA):c.1560_1563del (p.Phe521fs)

Gene: OTOA (otoancorin). Cytogenetic location: 16p12.2.
Variant type: Deletion.
Coding change: c.1560_1563del on transcript NM_144672.4 (MANE Select); coding-DNA positions 1560 to 1563, 4 bases deleted.
Protein change: p.Phe521fs; shifts the reading frame from phenylalanine 521.
Molecular consequence: frameshift variant.
Genome position: GRCh38 VCF-style: chr16-21716976-CTCTT-C. GRCh37 (hg19) VCF-style: chr16-21728297-CTCTT-C.
Other names: c.1323_1326del, p.Phe442fs (NM_001161683.2); c.588_591del, p.Phe197fs (NM_170664.3); c.1559_1562delTCTT (NM_144672.4); short protein forms F197fs, F442fs, F521fs.
Identifiers: ClinVar variation 1185107 (VCV001185107.2), dbSNP rs2141700836, ClinGen allele CA2573054195.

ClinVar aggregate classification (germline): Pathogenic. Review status: criteria provided, single submitter (1 of 4 stars). 2 submissions from 2 submitters: Pathogenic (1). 1 of the submissions does not count toward it. Last evaluated 2023-02-28.

Conditions:
Autosomal recessive nonsyndromic hearing loss 7. Also called: DEAFNESS, AUTOSOMAL RECESSIVE 11. Identifiers: Orphanet 90636, MedGen C1832978, MONDO:0010967, OMIM 600974.
Autosomal recessive nonsyndromic hearing loss 22. Identifiers: Orphanet 90636, MedGen C1846896, MONDO:0011762, OMIM 607039.

Submissions (2):

King Laboratory, University of Washington
Classification: Pathogenic for Autosomal recessive nonsyndromic hearing loss 22. Last evaluated: 2023-02-28. Review status: criteria provided, single submitter. Criteria: Li et al. (Genet Med. 2022). Collection method: research. Allele origin: unknown. Affected: yes.
Comment: This variant occurred in compound heterozygosity with an OTOA missense variant in a patient with bilateral sensorineural hearing loss of onset <18 years, in a study of pediatric hearing loss conducted by the King Laboratory (Carlson RJ et al. JAMA-OtoHNS 2023). This patient’s family has no other history of hearing loss. This variant is a frameshift that is predicted to lead to the addition of 1 incorrect amino acid and a premature stop codon at position 522 of the otherwise 1139 amino acid protein. As of January 2023, this variant has been reported to ClinVar as likely pathogenic and is not found on gnomAD. Based on the prediction that this variant leads to a truncated protein and goodness of fit of genotype to phenotype, we conclude that this variant is pathogenic.

WangQJ Lab, Chinese People's Liberation Army General Hospital
Classification: Likely pathogenic for Autosomal recessive nonsyndromic hearing loss 7. Last evaluated: 2021-07-01. Review status: no assertion criteria provided. Collection method: clinical testing. Allele origin: maternal. Affected: yes. Not counted in ClinVar's aggregate classification.

Literature cited by the submitters: PubMed 36633841 (cited by King Laboratory, University of Washington).